The following is an entry in ClinVar:

ClinVar aggregate classification (germline): Uncertain significance (1 of 4 stars; one submission).

Allele frequency attached by ClinVar (database versions not stated): ExAC 0.00002; gnomAD 0.00002; TOPMed 0.00002; ESP Exome Variant Server 0.00008.

Submission:

Labcorp Genetics (formerly Invitae), Labcorp
Classification: Uncertain significance. Last evaluated: 2025-12-15. Review status: criteria provided, single submitter. Criteria: Invitae Variant Classification Sherloc (09022015). Collection method: clinical testing. Allele origin: germline.
Comment: This sequence change replaces aspartic acid, which is acidic and polar, with asparagine, which is neutral and polar, at codon 193 of the ERCC1 protein (p.Asp193Asn). This variant is present in population databases (rs368405178, gnomAD 0.005%). This variant has not been reported in the literature in individuals affected with ERCC1-related conditions. ClinVar contains an entry for this variant (Variation ID: 1992132). An algorithm developed to predict the effect of missense changes on protein structure and function (PolyPhen-2) suggests that this variant is likely to be tolerated. In summary, the available evidence is currently insufficient to determine the role of this variant in disease. Therefore, it has been classified as a Variant of Uncertain Significance.

NM_001983.4(ERCC1):c.577G>A (p.Asp193Asn)

Gene: ERCC1 (ERCC excision repair 1, endonuclease non-catalytic subunit; minus strand). Cytogenetic location: 19q13.32.
Variant type: single nucleotide variant.
Coding change: c.577G>A on transcript NM_001983.4 (MANE Select); coding-DNA position 577, G replaced by A.
Protein change: p.Asp193Asn; replaces aspartic acid 193 with asparagine.
Molecular consequence: missense variant.
Genome position (GRCh38, 1-based): chr19:45,416,846, C>T on the plus strand (G>A on the coding strand, the complement: ERCC1 is on the minus strand). VCF-style: chr19-45416846-C-T. GRCh37 (hg19) VCF-style: chr19-45920104-C-T.
Other names: c.577G>A, p.Asp193Asn (NM_001166049.2, NM_001369408.1, NM_001369409.1 and 11 more transcripts); short protein forms D193N.
Identifiers: ClinVar variation 1992132 (VCV001992132.3), dbSNP rs368405178, ClinGen allele CA9515391.